The following is an entry in ClinVar:

ClinVar aggregate classification (germline): Uncertain significance (1 of 4 stars; one submission).

Submission:

Women's Health and Genetics/Laboratory Corporation of America, LabCorp
Classification: Uncertain significance. Last evaluated: 2016-05-02. Review status: criteria provided, single submitter. Criteria: LabCorp Variant Classification Summary - May 2015. Collection method: clinical testing. Allele origin: germline.
Comment: Variant summary: The c.5643A>C variant affects a non-conserved nucleotide, resulting in amino acid change from Lys to Asn. 3/4 in-silico tools predict this variant to be damaging (SNPs&GO not captured due to low reliability index). This variant is not found in 120110 control chromosomes. The variant of interest has not, to our knowledge, been reported in affected individuals via publications and/or reputable databases/clinical laboratories; nor evaluated for functional impact by in vivo/vitro studies. Because of the absence of clinical information and the lack of functional studies, the variant was classified as a variant of uncertain significance (VUS) until additional information becomes available.

NM_000138.5(FBN1):c.5643A>C (p.Lys1881Asn)

Gene: FBN1 (fibrillin 1; minus strand). Cytogenetic location: 15q21.1.
Variant type: single nucleotide variant.
Coding change: c.5643A>C on transcript NM_000138.5 (MANE Select); coding-DNA position 5643, A replaced by C.
Protein change: p.Lys1881Asn; replaces lysine 1881 with asparagine.
Molecular consequence: missense variant.
Genome position (GRCh38, 1-based): chr15:48,448,796, T>G on the plus strand (A>C on the coding strand, the complement: FBN1 is on the minus strand). VCF-style: chr15-48448796-T-G. GRCh37 (hg19) VCF-style: chr15-48740993-T-G.
Other names: short protein forms K1881N.
Identifiers: ClinVar variation 495626 (VCV000495626.1), dbSNP rs1555395975, ClinGen allele CA392341786.
Genomic context (GRCh38, chr15:48,448,796, plus strand): 5'-TATGAAAAAAATAATAATAATTGCATACTTACCCAAGCACATGGTTTGGTCATCATTTGT[T>G]TTAAAACCAGTGTGGCAAAGGCAATAAAAGCTTCCAACTGTGTCAATGCACTGCCCATGA-3'
Protein context (NP_000129.3, residues 1871-1891): SFYCLCHTGF[Lys1881Asn]TNDDQTMCLD